The following is an entry in ClinVar:

ClinVar aggregate classification (germline): Likely benign (0 of 4 stars; one submission).

Conditions:
DYSF-related disorder. Also called: DYSF-related condition; DYSF-related disorders.

Allele frequency attached by ClinVar (database versions not stated): TOPMed 0.00009.
gnomAD v4.1: 214 of 1,613,968 alleles (0.013%); highest among the groups gnomAD compares: Non-Finnish European, 0.017%; 1 homozygote.

Submission:

PreventionGenetics, part of Exact Sciences
Classification: Likely benign for DYSF-related condition. Last evaluated: 2021-12-13. Review status: no assertion criteria provided. Collection method: clinical testing. Allele origin: germline.
Comment: This variant is classified as likely benign based on ACMG/AMP sequence variant interpretation guidelines (Richards et al. 2015 PMID: 25741868, with internal and published modifications).

NM_001130987.2(DYSF):c.2217-21C>A

Gene: DYSF (dysferlin; plus strand). Cytogenetic location: 2p13.2.
Variant type: single nucleotide variant.
Coding change: c.2217-21C>A on transcript NM_001130987.2 (MANE Select); 21 bases into the intron before coding-DNA position 2217, C replaced by A.
Molecular consequence: intron variant.
Genome position (GRCh38, 1-based): chr2:71,561,731, C>A. VCF-style: chr2-71561731-C-A. GRCh37 (hg19) VCF-style: chr2-71788861-C-A.
Other names: c.2256-21C>A (NM_001130979.2); c.2214-21C>A (NM_001130981.2, NM_001130980.2); c.2163-21C>A (NM_001130978.2, NM_003494.4); c.2121-21C>A (NM_001130977.2, NM_001130976.2); c.2259-21C>A (NM_001130982.2); c.2217-21C>A (NM_001130985.2); c.2166-21C>A (NM_001130983.2, NM_001130455.2); c.2124-21C>A (NM_001130984.2, NM_001130986.2).
Identifiers: ClinVar variation 3036739 (VCV003036739.2), dbSNP rs369725390, ClinGen allele CA1706098.
Genomic context (GRCh38, chr2:71,561,731, plus strand): 5'-GAGAACCTGGCACATGTGCATGCCTGGACCTGGGAGAGCCCTGGGCTCATCAGGCGCATT[C>A]CATCTGTCCGTCCCTCACAGCCAGCCTCTGGGTGACATCCATGAGACACCCTCTGCCACC-3'